The following is an entry in ClinVar:

NM_002335.4(LRP5):c.4316C>A (p.Ala1439Asp)

Gene: LRP5 (LDL receptor related protein 5; plus strand). Cytogenetic location: 11q13.2.
Variant type: single nucleotide variant.
Coding change: c.4316C>A on transcript NM_002335.4 (MANE Select); coding-DNA position 4316, C replaced by A.
Protein change: p.Ala1439Asp; replaces alanine 1439 with aspartic acid.
Molecular consequence: missense variant.
Genome position (GRCh38, 1-based): chr11:68,438,650, C>A. VCF-style: chr11-68438650-C-A. GRCh37 (hg19) VCF-style: chr11-68206118-C-A.
Other names: c.2573C>A, p.Ala858Asp (NM_001291902.2); short protein forms A1439D, A858D.
Identifiers: ClinVar variation 2806059 (VCV002806059.3), dbSNP rs2098676416, ClinGen allele CA381615262.
Genomic context (GRCh38, chr11:68,438,650, plus strand): 5'-ACGGGCCCTTCCCGCACGAGTATGTCAGCGGGACCCCGCACGTGCCCCTCAATTTCATAG[C>A]CCCGGGCGGTTCCCAGCATGGCCCCTTCACAGGTAAGGAGCCTGAGATATGGAATGATCT-3'
Protein context (NP_002326.2, residues 1429-1449): GTPHVPLNFI[Ala1439Asp]PGGSQHGPFT

ClinVar aggregate classification (germline): Uncertain significance (1 of 4 stars; one submission).

Allele frequency attached by ClinVar (database versions not stated): gnomAD 0.00001.
gnomAD v4.1: 1 of 1,613,194 alleles (0.000062%); highest among the groups gnomAD compares: Non-Finnish European, 0.000085%; no homozygotes.

Submission:

Labcorp Genetics (formerly Invitae), Labcorp
Classification: Uncertain significance. Last evaluated: 2022-11-17. Review status: criteria provided, single submitter. Criteria: Invitae Variant Classification Sherloc (09022015). Collection method: clinical testing. Allele origin: germline.
Comment: This sequence change replaces alanine, which is neutral and non-polar, with aspartic acid, which is acidic and polar, at codon 1439 of the LRP5 protein (p.Ala1439Asp). This variant is not present in population databases (gnomAD no frequency). This variant has not been reported in the literature in individuals affected with LRP5-related conditions. Advanced modeling of protein sequence and biophysical properties (such as structural, functional, and spatial information, amino acid conservation, physicochemical variation, residue mobility, and thermodynamic stability) performed at Invitae indicates that this missense variant is not expected to disrupt LRP5 protein function. In summary, the available evidence is currently insufficient to determine the role of this variant in disease. Therefore, it has been classified as a Variant of Uncertain Significance.